The following is an entry in ClinVar:

ClinVar aggregate classification (germline): Likely benign. Review status: criteria provided, multiple submitters, no conflicts (2 of 4 stars). 2 submissions from 2 submitters: Likely benign (2). Last evaluated 2024-10-11.

Allele frequency attached by ClinVar (database versions not stated): gnomAD 0.00009; 1000 Genomes Project 0.00040; 1000 Genomes Project 30x 0.00047.
gnomAD v4.1: 177 of 1,614,136 alleles (0.011%); highest among the groups gnomAD compares: East Asian, 0.2%; 1 homozygote.

Submissions (2):

Blueprint Genetics
Classification: Likely benign. Last evaluated: 2024-10-11. Review status: criteria provided, single submitter. Criteria: ACMG Guidelines, 2015. Collection method: clinical testing. Allele origin: germline.

Women's Health and Genetics/Laboratory Corporation of America, LabCorp
Classification: Likely benign. Last evaluated: 2024-04-03. Review status: criteria provided, single submitter. Criteria: LabCorp Variant Classification Summary - May 2015. Collection method: clinical testing. Allele origin: germline.
Comment: Variant summary: VWF c.55+16C>G alters a non-conserved nucleotide located at a position not widely known to affect splicing. Consensus agreement among computation tools predict no significant impact on normal splicing. However, these predictions have yet to be confirmed by functional studies. The variant allele was found at a frequency of 0.00034 in 251452 control chromosomes (gnomAD). To our knowledge, no occurrence of c.55+16C>G in individuals affected with Von Willebrand Disease and no experimental evidence demonstrating its impact on protein function have been reported. No submitters have cited clinical-significance assessments for this variant to ClinVar. Based on the evidence outlined above, the variant was classified as likely benign.

NM_000552.5(VWF):c.55+16C>G

Gene: VWF (von Willebrand factor; minus strand). Cytogenetic location: 12p13.31.
Variant type: single nucleotide variant.
Coding change: c.55+16C>G on transcript NM_000552.5 (MANE Select); 16 bases into the intron after coding-DNA position 55, C replaced by G.
Molecular consequence: intron variant.
Genome position (GRCh38, 1-based): chr12:6,123,126, G>C on the plus strand (C>G on the coding strand, the complement: VWF is on the minus strand). VCF-style: chr12-6123126-G-C. GRCh37 (hg19) VCF-style: chr12-6232292-G-C.
Identifiers: ClinVar variation 3251569 (VCV003251569.2), dbSNP rs201807815.